The following is an entry in ClinVar:

ClinVar aggregate classification (germline): Pathogenic. Review status: criteria provided, multiple submitters, no conflicts (2 of 4 stars). 4 submissions from 4 submitters: Pathogenic (4). Last evaluated 2025-08-06.

Conditions:
DDX41-related hematologic malignancy predisposition syndrome. Also called: Myeloproliferative/lymphoproliferative neoplasms, familial (multiple types), susceptibility to; DDX41-Associated Familial Myelodysplastic Syndrome and Acute Myeloid Leukemia. Identifiers: Orphanet 488647, MedGen C4225174, MONDO:0014809, OMIM 616871.
DDX41-related disorders.
Inborn genetic diseases. Identifiers: MedGen C0950123, MeSH D030342.

Allele frequency attached by ClinVar (database versions not stated): gnomAD exomes below 0.00001.
gnomAD v4.1: 3 of 1,614,180 alleles (0.00019%); highest among the groups gnomAD compares: Non-Finnish European, 0.00025%; no homozygotes.

Submissions (4):

Ambry Genetics
Classification: Pathogenic for Inborn genetic diseases. Last evaluated: 2025-08-06. Review status: criteria provided, single submitter. Criteria: Ambry Variant Classification Scheme 2023. Collection method: clinical testing. Allele origin: germline.
Comment: The p.Q370* pathogenic mutation (also known as c.1108C>T), located in coding exon 11 of the DDX41 gene, results from a C to T substitution at nucleotide position 1108. This changes the amino acid from a glutamine to a stop codon within coding exon 11. This variant is considered to be rare based on population cohorts in the Genome Aggregation Database (gnomAD). This alteration is expected to result in loss of function by premature protein truncation or nonsense-mediated mRNA decay. As such, this alteration is interpreted as a disease-causing mutation.

Saint-Louis Hospital, Assistance Publique Hôpitaux de Paris
Classification: Pathogenic for DDX41-related hematologic malignancy predisposition syndrome. Last evaluated: 2025-05-13. Review status: criteria provided, single submitter. Criteria: ACMG Guidelines, 2015. Collection method: clinical testing. Allele origin: germline. Affected: yes.
Comment: The variant DDX41(NM_016222.4):c.1108C>T:p.(Gln370Ter) induces a premature stop codon. Loss-of-function variants in DDX41 are known to be pathogenic (PMID: 26712909, 27133828). Here, it is associated with a second (somatic) DDX41 mutation in bone marrow, which is a classical route of clonal evolution in DDX41-myeloid malignancies predisposition(Duployez et al, 2022, PMID: 35443031).

Blueprint Genetics
Classification: Pathogenic for DDX41-related disorders. Last evaluated: 2022-09-28. Review status: criteria provided, single submitter. Criteria: ACMG Guidelines, 2015. Collection method: clinical testing. Allele origin: germline. Affected: yes. Observed: 1 variant allele.

Genetic Services Laboratory, University of Chicago
Classification: Pathogenic. Last evaluated: 2019-10-16. Review status: criteria provided, single submitter. Criteria: ACMG Guidelines, 2015. Collection method: clinical testing. Allele origin: germline. Affected: yes.
Comment: DNA sequence analysis of the DDX41 gene demonstrated a sequence change, c.1108C>T, which results in the creation of a premature stop codon at amino acid position 370, p.Gln370*. This pathogenic sequence change is predicted to result in an abnormal transcript, which may be degraded, or may lead to the production of a truncated DDX41 protein with potentially abnormal function.

Literature cited by the submitters: PubMed 26712909 (cited by Saint-Louis Hospital, Assistance Publique Hôpitaux de Paris); PubMed 27133828 (cited by Saint-Louis Hospital, Assistance Publique Hôpitaux de Paris); PubMed 35443031 (cited by Saint-Louis Hospital, Assistance Publique Hôpitaux de Paris).

NM_016222.4(DDX41):c.1108C>T (p.Gln370Ter)

Gene: DDX41 (DEAD-box helicase 41; minus strand). Cytogenetic location: 5q35.3.
Variant type: single nucleotide variant.
Coding change: c.1108C>T on transcript NM_016222.4 (MANE Select); coding-DNA position 1108, C replaced by T.
Protein change: p.Gln370Ter; replaces glutamine 370 with a stop codon.
Molecular consequence: nonsense.
Genome position (GRCh38, 1-based): chr5:177,513,475, G>A on the plus strand (C>T on the coding strand, the complement: DDX41 is on the minus strand). VCF-style: chr5-177513475-G-A. GRCh37 (hg19) VCF-style: chr5-176940476-G-A.
Other names: c.730C>T, p.Gln244Ter (NM_001321732.2, NM_001321830.2); short protein forms Q244*, Q370*.
Identifiers: ClinVar variation 1338548 (VCV001338548.7), dbSNP rs2127436444, ClinGen allele CA362374057.